The following is an entry in ClinVar:

ClinVar aggregate classification (germline): Uncertain significance (1 of 4 stars; one submission).

Conditions:
Inborn genetic diseases. Identifiers: MedGen C0950123, MeSH D030342.

gnomAD v4.1: 1 of 1,611,940 alleles (0.000062%); highest among the groups gnomAD compares: Non-Finnish European, 0.000085%; no homozygotes.

Submission:

Ambry Genetics
Classification: Uncertain significance for Inborn genetic diseases. Last evaluated: 2026-04-22. Review status: criteria provided, single submitter. Criteria: Ambry Variant Classification Scheme 2023. Collection method: clinical testing. Allele origin: germline.
Comment: The p.Y784D variant (also known as c.2350T>G), located in coding exon 14 of the FANCM gene, results from a T to G substitution at nucleotide position 2350. The tyrosine at codon 784 is replaced by aspartic acid, an amino acid with highly dissimilar properties. This amino acid position is conserved. In addition, this alteration is predicted to be tolerated by in silico analysis. Based on the available evidence, the clinical significance of this variant remains unclear.

NM_020937.4(FANCM):c.2350T>G (p.Tyr784Asp)

Gene: FANCM (FA complementation group M; plus strand). Cytogenetic location: 14q21.2.
Variant type: single nucleotide variant.
Coding change: c.2350T>G on transcript NM_020937.4 (MANE Select); coding-DNA position 2350, T replaced by G.
Protein change: p.Tyr784Asp; replaces tyrosine 784 with aspartic acid.
Molecular consequence: missense variant.
Genome position (GRCh38, 1-based): chr14:45,175,104, T>G. VCF-style: chr14-45175104-T-G. GRCh37 (hg19) VCF-style: chr14-45644307-T-G.
Other names: c.2272T>G, p.Tyr758Asp (NM_001308133.2); short protein forms Y758D, Y784D.
Identifiers: ClinVar variation 4871097 (VCV004871097.1).